The following is an entry in ClinVar:

NM_001283009.2(RTEL1):c.1877A>G (p.Lys626Arg)

Genes: RTEL1 (regulator of telomere elongation helicase 1; plus strand), RTEL1-TNFRSF6B (RTEL1-TNFRSF6B readthrough (NMD candidate); plus strand). Cytogenetic location: 20q13.33.
Variant type: single nucleotide variant.
Coding change: c.1877A>G on transcript NM_001283009.2 (MANE Select); coding-DNA position 1877, A replaced by G.
Protein change: p.Lys626Arg; replaces lysine 626 with arginine.
Molecular consequence: missense variant. On other transcripts: non-coding transcript variant (1).
Genome position (GRCh38, 1-based): chr20:63,689,131, A>G. VCF-style: chr20-63689131-A-G. GRCh37 (hg19) VCF-style: chr20-62320484-A-G.
Other names: p.Lys626Arg; c.1208A>G, p.Lys403Arg (NM_001283010.1); c.1877A>G, p.Lys626Arg (NM_016434.4); c.1949A>G, p.Lys650Arg (NM_032957.5); c.1949A>G (NM_032957.4); short protein forms K403R, K626R, K650R.
Identifiers: ClinVar variation 1018071 (VCV001018071.35), dbSNP rs1018679403, ClinGen allele CA317512316.

ClinVar aggregate classification (germline): Uncertain significance. Review status: criteria provided, multiple submitters, no conflicts (2 of 4 stars). 6 submissions from 6 submitters: Uncertain significance (4). 2 of the submissions do not count toward it. Last evaluated 2024-04-22.

Conditions:
Pulmonary fibrosis. Identifiers: MedGen C0034069, MONDO:0002771, HP:0002206.
Pulmonary fibrosis and/or bone marrow failure, Telomere-related, 3. Also called: PULMONARY FIBROSIS AND/OR BONE MARROW FAILURE SYNDROME, TELOMERE-RELATED, 3. Identifiers: Orphanet 2032, MedGen C4225346, MONDO:0014613, OMIM 616373.
Dyskeratosis congenita, autosomal recessive 5 (DKCB5). Identifiers: MedGen C3554656, MONDO:0014076, OMIM 615190.
Dyskeratosis congenita. Identifiers: Orphanet 1775, MedGen C0265965, MONDO:0015780.

Allele frequency attached by ClinVar (database versions not stated): gnomAD 0.00001; gnomAD exomes 0.00001; TOPMed 0.00001.
gnomAD v4.1: 14 of 1,608,632 alleles (0.00087%); highest among the groups gnomAD compares: African/African-American, 0.0013%; no homozygotes.

Submissions (6):

Labcorp Genetics (formerly Invitae), Labcorp
Classification: Uncertain significance for Dyskeratosis congenita, autosomal recessive 5; Pulmonary fibrosis and/or bone marrow failure, Telomere-related, 3. Last evaluated: 2024-04-22. Review status: criteria provided, single submitter. Criteria: Invitae Variant Classification Sherloc (09022015). Collection method: clinical testing. Allele origin: germline.
Comment: This sequence change replaces lysine, which is basic and polar, with arginine, which is basic and polar, at codon 626 of the RTEL1 protein (p.Lys626Arg). This variant is present in population databases (no rsID available, gnomAD 0.006%). This variant has not been reported in the literature in individuals affected with RTEL1-related conditions. ClinVar contains an entry for this variant (Variation ID: 1018071). An algorithm developed to predict the effect of missense changes on protein structure and function (PolyPhen-2) suggests that this variant is likely to be disruptive. Algorithms developed to predict the effect of sequence changes on RNA splicing suggest that this variant may disrupt the consensus splice site. In summary, the available evidence is currently insufficient to determine the role of this variant in disease. Therefore, it has been classified as a Variant of Uncertain Significance.

Women's Health and Genetics/Laboratory Corporation of America, LabCorp
Classification: Uncertain significance. Last evaluated: 2023-09-22. Review status: criteria provided, single submitter. Criteria: LabCorp Variant Classification Summary - May 2015. Collection method: clinical testing. Allele origin: germline.
Comment: Variant summary: RTEL1 c.1949A>G (p.Lys650Arg) results in a conservative amino acid change located in the ATP-dependent helicase, C-terminal domain (IPR006555) of the encoded protein sequence. Four of five in-silico tools predict a damaging effect of the variant on protein function. Several computational tools predict a significant impact on normal splicing: Four predict the variant weakens a canonical 5' donor site. One predicts the variant creates a cryptic 3' acceptor site and one predicts the variant strengthens this site. However, these predictions have yet to be confirmed by functional studies. The variant allele was found at a frequency of 8.1e-06 in 246330 control chromosomes (gnomAD). The available data on variant occurrences in the general population are insufficient to allow any conclusion about variant significance. To our knowledge, no occurrence of c.1949A>G in individuals affected with Dyskeratosis Congenita (Hoyeraal Hreidarsson Syndrome) and no experimental evidence demonstrating its impact on protein function have been reported. Three submitters have cited clinical-significance assessments for this variant to ClinVar after 2014, and classified the variant as uncertain significance (n=2) or as a likely risk allele (n=1). Based on the evidence outlined above, the variant was classified as uncertain significance.

Blueprint Genetics
Classification: Uncertain significance. Last evaluated: 2023-05-24. Review status: criteria provided, single submitter. Criteria: ACMG Guidelines, 2015. Collection method: clinical testing. Allele origin: germline.

Breakthrough Genomics
Classification: Uncertain significance. Review status: criteria provided, single submitter. Criteria: ACMG Guidelines, 2015. Collection method: not provided. Allele origin: germline. Inheritance: Autosomal dominant inheritance. Affected: yes.

Garcia Pulmonary Genetics Research Laboratory, Columbia University Irving Medical Center
Classification: Likely risk allele for Pulmonary fibrosis. Last evaluated: 2022-06-09. Review status: no assertion criteria provided. Collection method: research. Allele origin: germline. Affected: yes. Not counted in ClinVar's aggregate classification.
Comment: Leukocyte telomere length (by qPCR) less than 10th percentile age-adjusted

Natera, Inc.
Classification: Uncertain significance for Dyskeratosis congenita. Last evaluated: 2020-02-21. Review status: no assertion criteria provided. Collection method: clinical testing. Allele origin: germline. Not counted in ClinVar's aggregate classification.